The following is an entry in ClinVar:

NM_022051.3(EGLN1):c.1112G>T (p.Arg371Leu)

Gene: EGLN1 (egl-9 family hypoxia inducible factor 1; minus strand). Cytogenetic location: 1q42.2.
Variant type: single nucleotide variant.
Coding change: c.1112G>T on transcript NM_022051.3 (MANE Select); coding-DNA position 1112, G replaced by T.
Protein change: p.Arg371Leu; replaces arginine 371 with leucine.
Molecular consequence: missense variant. On other transcripts: intron variant (1).
Genome position (GRCh38, 1-based): chr1:231,370,598, C>A on the plus strand (G>T on the coding strand, the complement: EGLN1 is on the minus strand). VCF-style: chr1-231370598-C-A. GRCh37 (hg19) VCF-style: chr1-231506344-C-A.
Other names: c.1112G>T, p.Arg371Leu (NM_001377260.1); c.1012-2962G>T (NM_001377261.1); short protein forms R371L.
Identifiers: ClinVar variation 3274803 (VCV003274803.1).

ClinVar aggregate classification (germline): Uncertain significance (1 of 4 stars; one submission).

Submission:

Ambry Genetics
Classification: Uncertain significance. Last evaluated: 2024-06-20. Review status: criteria provided, single submitter. Criteria: Ambry Variant Classification Scheme 2023. Collection method: clinical testing. Allele origin: germline.
Comment: The p.R371L variant (also known as c.1112G>T), located in coding exon 3 of the EGLN1 gene, results from a G to T substitution at nucleotide position 1112. The arginine at codon 371 is replaced by leucine, an amino acid with dissimilar properties. This amino acid position is conserved. In addition, this alteration is predicted to be deleterious by in silico analysis. Based on the available evidence, the clinical significance of this variant remains unclear.